The following is an entry in ClinVar:

NM_014159.7(SETD2):c.1885A>G (p.Lys629Glu)

Gene: SETD2 (SET domain containing 2, histone lysine methyltransferase; minus strand). Cytogenetic location: 3p21.31.
Variant type: single nucleotide variant.
Coding change: c.1885A>G on transcript NM_014159.7 (MANE Select); coding-DNA position 1885, A replaced by G.
Protein change: p.Lys629Glu; replaces lysine 629 with glutamic acid.
Molecular consequence: missense variant. On other transcripts: non-coding transcript variant (1).
Genome position (GRCh38, 1-based): chr3:47,122,751, T>C on the plus strand (A>G on the coding strand, the complement: SETD2 is on the minus strand). VCF-style: chr3-47122751-T-C. GRCh37 (hg19) VCF-style: chr3-47164241-T-C.
Other names: c.1753A>G, p.Lys585Glu (NM_001349370.3); short protein forms K629E, K585E.
Identifiers: ClinVar variation 542227 (VCV000542227.44), dbSNP rs145650484, ClinGen allele CA2363615.
Genomic context (GRCh38, chr3:47,122,751, plus strand): 5'-TACTATCATGGCTATCATGTGTTATAAATTCGGACTTAAAAATAGGCAATTCATCTAGCT[T>C]TTTTAAAGTAGGTGAATCATTTAATCGATTTGATGGAGCTGGAGACCCAGCCTTTTCTCT-3'
Protein context (NP_054878.5, residues 619-639): NRLNDSPTLK[Lys629Glu]LDELPIFKSE

ClinVar aggregate classification (germline): Conflicting classifications of pathogenicity. Review status: criteria provided, conflicting classifications (1 of 4 stars). 7 submissions from 7 submitters: Uncertain significance (1); Benign (2); Likely benign (3). 1 of the submissions does not count toward it. Last evaluated 2025-12-21.

Conditions:
Luscan-Lumish syndrome. Identifiers: Orphanet 597738, MedGen C4085873, MONDO:0014791, OMIM 616831.
SETD2-related disorder.

Allele frequency attached by ClinVar (database versions not stated): ExAC 0.00027; gnomAD exomes 0.00030 and 0.00065; TOPMed 0.00042; gnomAD 0.00044 and 0.00047; ESP Exome Variant Server 0.00077.
gnomAD v4.1: 998 of 1,610,826 alleles (0.062%); highest among the groups gnomAD compares: Non-Finnish European, 0.081%; no homozygotes.

Submissions (7):

Labcorp Genetics (formerly Invitae), Labcorp
Classification: Likely benign for Luscan-Lumish syndrome. Last evaluated: 2025-12-21. Review status: criteria provided, single submitter. Criteria: Invitae Variant Classification Sherloc (09022015). Collection method: clinical testing. Allele origin: germline.

Blueprint Genetics
Classification: Likely benign. Last evaluated: 2024-04-08. Review status: criteria provided, single submitter. Criteria: ACMG Guidelines, 2015. Collection method: clinical testing. Allele origin: germline.

CeGaT Center for Human Genetics Tuebingen
Classification: Likely benign. Last evaluated: 2022-03-01. Review status: criteria provided, single submitter. Criteria: CeGaT Center For Human Genetics Tuebingen Variant Classification Criteria Version 2. Collection method: clinical testing. Allele origin: germline. Affected: yes. Observed: 1 variant allele.
Comment: SETD2: BP5, BS1

GeneDx
Classification: Benign. Last evaluated: 2019-11-21. Review status: criteria provided, single submitter. Criteria: GeneDx Variant Classification Process June 2021. Collection method: clinical testing. Allele origin: germline. Affected: yes.

Genetic Services Laboratory, University of Chicago
Classification: Benign. Last evaluated: 2019-05-15. Review status: criteria provided, single submitter. Criteria: ACMG Guidelines, 2015. Collection method: clinical testing. Allele origin: germline. Affected: no.

Fulgent Genetics
Classification: Uncertain significance for Luscan-Lumish syndrome. Last evaluated: 2018-10-31. Review status: criteria provided, single submitter. Criteria: ACMG Guidelines, 2015. Collection method: clinical testing. Allele origin: unknown.

PreventionGenetics, part of Exact Sciences
Classification: Likely benign for SETD2-related condition. Last evaluated: 2021-03-12. Review status: no assertion criteria provided. Collection method: clinical testing. Allele origin: germline. Not counted in ClinVar's aggregate classification.
Comment: This variant is classified as likely benign based on ACMG/AMP sequence variant interpretation guidelines (Richards et al. 2015 PMID: 25741868, with internal and published modifications).